The following is an entry in ClinVar:

NM_006231.4(POLE):c.3590T>A (p.Met1197Lys)

Gene: POLE (DNA polymerase epsilon, catalytic subunit; minus strand). Cytogenetic location: 12q24.33.
Variant type: single nucleotide variant.
Coding change: c.3590T>A on transcript NM_006231.4 (MANE Select); coding-DNA position 3590, T replaced by A.
Protein change: p.Met1197Lys; replaces methionine 1197 with lysine.
Molecular consequence: missense variant.
Genome position (GRCh38, 1-based): chr12:132,649,882, A>T on the plus strand (T>A on the coding strand, the complement: POLE is on the minus strand). VCF-style: chr12-132649882-A-T. GRCh37 (hg19) VCF-style: chr12-133226468-A-T.
Other names: short protein forms M1197K.
Identifiers: ClinVar variation 2620588 (VCV002620588.2), dbSNP rs2138615752, ClinGen allele CA387387068.
Genomic context (GRCh38, chr12:132,649,882, plus strand): 5'-AGGCCGAAGTCCTCCATGTCAGGAGCACTTGGCCTCGGACTGTCTTCTGAGGCCTCGGCC[A>T]TCGTGACCTGGAAAGACCCAGTGAAGCCTTAAATCTCAGGATCTCGGGCTGCGCAGGGTG-3'
Protein context (NP_006222.2, residues 1187-1207): FTLEGRRQVT[Met1197Lys]AEASEDSPRP

ClinVar aggregate classification (germline): Uncertain significance (1 of 4 stars; one submission).

Conditions:
Hereditary cancer-predisposing syndrome. Also called: Tumor predisposition; Hereditary Cancer Syndrome; Hereditary neoplastic syndrome; Neoplastic Syndromes, Hereditary. Identifiers: Orphanet 140162, MedGen C0027672, MeSH D009386, MONDO:0015356.

Submission:

Ambry Genetics
Classification: Uncertain significance for Hereditary cancer-predisposing syndrome. Last evaluated: 2023-06-26. Review status: criteria provided, single submitter. Criteria: Ambry Variant Classification Scheme 2023. Collection method: clinical testing. Allele origin: germline.
Comment: The p.M1197K variant (also known as c.3590T>A), located in coding exon 30 of the POLE gene, results from a T to A substitution at nucleotide position 3590. The methionine at codon 1197 is replaced by lysine, an amino acid with similar properties. This amino acid position is conserved. In addition, this alteration is predicted to be tolerated by in silico analysis. Since supporting evidence is limited at this time, the clinical significance of this alteration remains unclear.